The following is an entry in ClinVar:

NM_000836.4(GRIN2D):c.2764G>A (p.Ala922Thr)

Gene: GRIN2D (glutamate ionotropic receptor NMDA type subunit 2D; plus strand). Cytogenetic location: 19q13.33.
Variant type: single nucleotide variant.
Coding change: c.2764G>A on transcript NM_000836.4 (MANE Select); coding-DNA position 2764, G replaced by A.
Protein change: p.Ala922Thr; replaces alanine 922 with threonine.
Molecular consequence: missense variant.
Genome position (GRCh38, 1-based): chr19:48,442,690, G>A. VCF-style: chr19-48442690-G-A. GRCh37 (hg19) VCF-style: chr19-48945947-G-A.
Other names: short protein forms A922T.
Identifiers: ClinVar variation 2090655 (VCV002090655.4), dbSNP rs2513691796, ClinGen allele CA406673529.

ClinVar aggregate classification (germline): Uncertain significance (1 of 4 stars; one submission).

Allele frequency attached by ClinVar (database versions not stated): gnomAD exomes 0.00001.
gnomAD v4.1: 1 of 1,192,444 alleles (0.000084%); highest among the groups gnomAD compares: South Asian, 0.0033%; no homozygotes.

Submission:

Labcorp Genetics (formerly Invitae), Labcorp
Classification: Uncertain significance. Last evaluated: 2024-12-02. Review status: criteria provided, single submitter. Criteria: Invitae Variant Classification Sherloc (09022015). Collection method: clinical testing. Allele origin: germline.
Comment: This sequence change replaces alanine, which is neutral and non-polar, with threonine, which is neutral and polar, at codon 922 of the GRIN2D protein (p.Ala922Thr). The frequency data for this variant in the population databases is considered unreliable, as metrics indicate insufficient coverage at this position in the gnomAD database. This variant has not been reported in the literature in individuals affected with GRIN2D-related conditions. ClinVar contains an entry for this variant (Variation ID: 2090655). Invitae Evidence Modeling of protein sequence and biophysical properties (such as structural, functional, and spatial information, amino acid conservation, physicochemical variation, residue mobility, and thermodynamic stability) indicates that this missense variant is not expected to disrupt GRIN2D protein function with a negative predictive value of 95%. In summary, the available evidence is currently insufficient to determine the role of this variant in disease. Therefore, it has been classified as a Variant of Uncertain Significance.